The following is an entry in ClinVar:

NM_015122.3(FCHO1):c.1705G>A (p.Val569Met)

Gene: FCHO1 (FCH and mu domain containing endocytic adaptor 1; plus strand). Cytogenetic location: 19p13.11.
Variant type: single nucleotide variant.
Coding change: c.1705G>A on transcript NM_015122.3 (MANE Select); coding-DNA position 1705, G replaced by A.
Protein change: p.Val569Met; replaces valine 569 with methionine.
Molecular consequence: missense variant. On other transcripts: non-coding transcript variant (36).
Genome position (GRCh38, 1-based): chr19:17,781,308, G>A. VCF-style: chr19-17781308-G-A. GRCh37 (hg19) VCF-style: chr19-17892117-G-A.
Other names: c.1705G>A, p.Val569Met (NM_001384381.1, NM_001384387.1, NM_001384391.1 and 13 more transcripts); c.1555G>A, p.Val519Met (NM_001384384.1, NM_001384385.1, NM_001384386.1 and 1 more transcripts); c.1666G>A, p.Val556Met (NM_001384388.1, NM_001384389.1, NM_001384405.1); c.1630G>A, p.Val544Met (NM_001384390.1); c.1588G>A, p.Val530Met (NM_001384392.1, NM_001384393.1, NM_001384394.1 and 1 more transcripts); c.1429G>A, p.Val477Met (NM_001384396.1, NM_001384397.1, NM_001384398.1 and 5 more transcripts); c.1384G>A, p.Val462Met (NM_001384403.1); c.1279G>A, p.Val427Met (NM_001384406.1); and 2 more; short protein forms V379M, V544M, V519M, V530M, V427M, V462M, V477M, V556M.
Identifiers: ClinVar variation 1359405 (VCV001359405.5), dbSNP rs371558338, ClinGen allele CA9300590.

ClinVar aggregate classification (germline): Uncertain significance. Review status: criteria provided, multiple submitters, no conflicts (2 of 4 stars). 2 submissions from 2 submitters: Uncertain significance (2). Last evaluated 2025-11-26.

Allele frequency attached by ClinVar (database versions not stated): gnomAD exomes 0.00002; gnomAD 0.00003 and 0.00004; ESP Exome Variant Server 0.00008; ExAC 0.00001.
gnomAD v4.1: 34 of 1,613,934 alleles (0.0021%); highest among the groups gnomAD compares: Admixed American, 0.005%; no homozygotes.

Submissions (2):

Ambry Genetics
Classification: Uncertain significance. Last evaluated: 2025-11-26. Review status: criteria provided, single submitter. Criteria: Ambry Variant Classification Scheme 2023. Collection method: clinical testing. Allele origin: germline.

Labcorp Genetics (formerly Invitae), Labcorp
Classification: Uncertain significance. Last evaluated: 2024-08-14. Review status: criteria provided, single submitter. Criteria: Invitae Variant Classification Sherloc (09022015). Collection method: clinical testing. Allele origin: germline.
Comment: This sequence change replaces valine, which is neutral and non-polar, with methionine, which is neutral and non-polar, at codon 569 of the FCHO1 protein (p.Val569Met). This variant is present in population databases (rs371558338, gnomAD 0.006%). This variant has not been reported in the literature in individuals affected with FCHO1-related conditions. ClinVar contains an entry for this variant (Variation ID: 1359405). An algorithm developed to predict the effect of missense changes on protein structure and function (PolyPhen-2) suggests that this variant is likely to be disruptive. In summary, the available evidence is currently insufficient to determine the role of this variant in disease. Therefore, it has been classified as a Variant of Uncertain Significance.